The following is an entry in ClinVar:

NM_001379200.1(TBX1):c.887C>G (p.Ala296Gly)

Gene: TBX1 (T-box transcription factor 1; plus strand). Cytogenetic location: 22q11.21.
Variant type: single nucleotide variant.
Coding change: c.887C>G on transcript NM_001379200.1 (MANE Select); coding-DNA position 887, C replaced by G.
Protein change: p.Ala296Gly; replaces alanine 296 with glycine.
Molecular consequence: missense variant.
Genome position (GRCh38, 1-based): chr22:19,765,777, C>G. VCF-style: chr22-19765777-C-G. GRCh37 (hg19) VCF-style: chr22-19753300-C-G.
Other names: c.860C>G, p.Ala287Gly (NM_005992.1, NM_080646.2, NM_080647.1); short protein forms A287G, A296G.
Identifiers: ClinVar variation 2504464 (VCV002504464.1), dbSNP rs2517854239, ClinGen allele CA410683620.

ClinVar aggregate classification (germline): Uncertain significance (1 of 4 stars; one submission).

Submission:

GeneDx
Classification: Uncertain significance. Last evaluated: 2022-11-30. Review status: criteria provided, single submitter. Criteria: GeneDx Variant Classification Process June 2021. Collection method: clinical testing. Allele origin: germline. Affected: yes.
Comment: Not observed at significant frequency in large population cohorts (gnomAD); In silico analysis supports that this missense variant has a deleterious effect on protein structure/function; Has not been previously published as pathogenic or benign to our knowledge